The following is an entry in ClinVar:

NM_001267550.2(TTN):c.101377G>A (p.Asp33793Asn)

Genes: TTN (titin; minus strand), TTN-AS1 (TTN antisense RNA 1; plus strand). Cytogenetic location: 2q31.2.
Variant type: single nucleotide variant.
Coding change: c.101377G>A on transcript NM_001267550.2 (MANE Select); coding-DNA position 101377, G replaced by A.
Protein change: p.Asp33793Asn; replaces aspartic acid 33793 with asparagine.
Molecular consequence: missense variant.
Genome position (GRCh38, 1-based): chr2:178,535,238, C>T on the plus strand (G>A on the coding strand, the complement: TTN is on the minus strand). VCF-style: chr2-178535238-C-T. GRCh37 (hg19) VCF-style: chr2-179399965-C-T.
Other names: c.96454G>A, p.Asp32152Asn (NM_001256850.1); c.74182G>A, p.Asp24728Asn (NM_003319.4); c.93673G>A, p.Asp31225Asn (NM_133378.4); c.74557G>A, p.Asp24853Asn (NM_133432.3); c.74758G>A, p.Asp24920Asn (NM_133437.4); short protein forms D24728N, D24853N, D32152N, D33793N, D24920N, D31225N.
Identifiers: ClinVar variation 2130505 (VCV002130505.4), dbSNP rs2468568219, ClinGen allele CA349420848.

ClinVar aggregate classification (germline): Uncertain significance (1 of 4 stars; one submission).

Conditions:
Dilated cardiomyopathy 1G (CMD1G). Identifiers: Orphanet 154, MedGen C1858763, MONDO:0011400, OMIM 604145.
Autosomal recessive limb-girdle muscular dystrophy type 2J (LGMDR10). Also called: Limb-girdle muscular dystrophy, type 2J; MUSCULAR DYSTROPHY, LIMB-GIRDLE, AUTOSOMAL RECESSIVE 10. Identifiers: Orphanet 140922, MedGen C1837342, MONDO:0012127, OMIM 608807.

gnomAD v4.1: 1 of 1,613,952 alleles (0.000062%); highest among the groups gnomAD compares: Non-Finnish European, 0.000085%; no homozygotes.

Submission:

Labcorp Genetics (formerly Invitae), Labcorp
Classification: Uncertain significance for Dilated cardiomyopathy 1G; Autosomal recessive limb-girdle muscular dystrophy type 2J. Last evaluated: 2022-05-11. Review status: criteria provided, single submitter. Criteria: Invitae Variant Classification Sherloc (09022015). Collection method: clinical testing. Allele origin: germline.
Comment: This sequence change replaces aspartic acid, which is acidic and polar, with asparagine, which is neutral and polar, at codon 33793 of the TTN protein (p.Asp33793Asn). This variant is not present in population databases (gnomAD no frequency). This variant has not been reported in the literature in individuals affected with TTN-related conditions. Experimental studies and prediction algorithms are not available or were not evaluated, and the functional significance of this variant is currently unknown. In summary, the available evidence is currently insufficient to determine the role of this variant in disease. Therefore, it has been classified as a Variant of Uncertain Significance. This variant is located in the M band of TTN (PMID: 25589632). Variants in this region may be relevant for neuromuscular disorders, but have not been definitively shown to cause cardiomyopathy (PMID: 23975875).

Literature cited by the submitters: PubMed 25589632; PubMed 23975875.